The following is an entry in ClinVar:

NM_001855.5(COL15A1):c.780A>G (p.Glu260=)

Gene: COL15A1 (collagen type XV alpha 1 chain; plus strand). Cytogenetic location: 9q22.33.
Variant type: single nucleotide variant.
Coding change: c.780A>G on transcript NM_001855.5 (MANE Select); coding-DNA position 780, A replaced by G.
Protein change: p.Glu260=; no amino-acid change (glutamic acid 260 retained).
Molecular consequence: synonymous variant.
Genome position (GRCh38, 1-based): chr9:98,989,234, A>G. VCF-style: chr9-98989234-A-G. GRCh37 (hg19) VCF-style: chr9-101751516-A-G.
Identifiers: ClinVar variation 3050547 (VCV003050547.2), dbSNP rs536611869, ClinGen allele CA5154677.
Genomic context (GRCh38, chr9:98,989,234, plus strand): 5'-ACAGGCATCTGGAGAGACCAGTGGGCTGCAGGAGGCAGACGGAGTAGCTGAGATCTTAGA[A>G]GCCGTCACCTACACTCAAGCCTCGGTGAGTACTGGGATGCTGTGCCATGTGATCTTGCTC-3'
Protein context (NP_001846.3, residues 250-270): QEADGVAEIL[Glu260=]AVTYTQASPK

ClinVar aggregate classification (germline): Likely benign (0 of 4 stars; one submission).

Conditions:
COL15A1-related disorder. Also called: COL15A1-related condition.

Allele frequency attached by ClinVar (database versions not stated): gnomAD 0.00003; gnomAD exomes 0.00011; ExAC 0.00021; 1000 Genomes Project 30x 0.00047; 1000 Genomes Project 0.00060.
gnomAD v4.1: 161 of 1,614,018 alleles (0.01%); highest among the groups gnomAD compares: South Asian, 0.15%; 2 homozygotes.

Submission:

PreventionGenetics, part of Exact Sciences
Classification: Likely benign for COL15A1-related condition. Last evaluated: 2019-02-18. Review status: no assertion criteria provided. Collection method: clinical testing. Allele origin: germline.
Comment: This variant is classified as likely benign based on ACMG/AMP sequence variant interpretation guidelines (Richards et al. 2015 PMID: 25741868, with internal and published modifications).